The following is an entry in ClinVar:

NM_007129.5(ZIC2):c.1256C>T (p.Pro419Leu)

Gene: ZIC2 (Zic family zinc finger 2; plus strand). Cytogenetic location: 13q32.3.
Variant type: single nucleotide variant.
Coding change: c.1256C>T on transcript NM_007129.5 (MANE Select); coding-DNA position 1256, C replaced by T.
Protein change: p.Pro419Leu; replaces proline 419 with leucine.
Molecular consequence: missense variant.
Genome position (GRCh38, 1-based): chr13:99,985,339, C>T. VCF-style: chr13-99985339-C-T. GRCh37 (hg19) VCF-style: chr13-100637593-C-T.
Other names: short protein forms P419L.
Identifiers: ClinVar variation 2728953 (VCV002728953.3), dbSNP rs755198296, ClinGen allele CA7032947.

ClinVar aggregate classification (germline): Uncertain significance (1 of 4 stars; one submission).

Conditions:
Holoprosencephaly 5 (HPE5). Identifiers: Orphanet 2162, MedGen C1864827, MONDO:0012322, OMIM 609637.

gnomAD v4.1: 114 of 1,598,186 alleles (0.0071%); highest among the groups gnomAD compares: Non-Finnish European, 0.0095%; no homozygotes.

Submission:

Labcorp Genetics (formerly Invitae), Labcorp
Classification: Uncertain significance for Holoprosencephaly 5. Last evaluated: 2023-04-16. Review status: criteria provided, single submitter. Criteria: Invitae Variant Classification Sherloc (09022015). Collection method: clinical testing. Allele origin: germline.
Comment: This variant is present in population databases (rs755198296, gnomAD 0.003%). This sequence change replaces proline, which is neutral and non-polar, with leucine, which is neutral and non-polar, at codon 419 of the ZIC2 protein (p.Pro419Leu). This variant has not been reported in the literature in individuals affected with ZIC2-related conditions. In summary, the available evidence is currently insufficient to determine the role of this variant in disease. Therefore, it has been classified as a Variant of Uncertain Significance. Advanced modeling of protein sequence and biophysical properties (such as structural, functional, and spatial information, amino acid conservation, physicochemical variation, residue mobility, and thermodynamic stability) performed at Invitae indicates that this missense variant is not expected to disrupt ZIC2 protein function.